The following is an entry in ClinVar:

NM_033337.3(CAV3):c.184T>C (p.Tyr62His)

Genes: CAV3 (caveolin 3; plus strand), OXTR (oxytocin receptor; minus strand). Cytogenetic location: 3p25.3.
Variant type: single nucleotide variant.
Coding change: c.184T>C on transcript NM_033337.3 (MANE Select); coding-DNA position 184, T replaced by C.
Protein change: p.Tyr62His; replaces tyrosine 62 with histidine.
Molecular consequence: missense variant.
Genome position (GRCh38, 1-based): chr3:8,745,595, T>C. VCF-style: chr3-8745595-T-C. GRCh37 (hg19) VCF-style: chr3-8787281-T-C.
Other names: c.184T>C, p.Tyr62His (NM_001234.5); short protein forms Y62H.
Identifiers: ClinVar variation 1384900 (VCV001384900.6), dbSNP rs2124988355, ClinGen allele CA351663249.

ClinVar aggregate classification (germline): Uncertain significance (1 of 4 stars; one submission).

Conditions:
Long QT syndrome (LQTS). Identifiers: MedGen C0023976, MeSH D008133, MONDO:0002442. Disease mechanism: loss of function. Inheritance: Various modes of inheritance.

Submission:

Labcorp Genetics (formerly Invitae), Labcorp
Classification: Uncertain significance for Long QT syndrome. Last evaluated: 2022-03-08. Review status: criteria provided, single submitter. Criteria: Invitae Variant Classification Sherloc (09022015). Collection method: clinical testing. Allele origin: germline.
Comment: This sequence change replaces tyrosine, which is neutral and polar, with histidine, which is basic and polar, at codon 62 of the CAV3 protein (p.Tyr62His). This variant is not present in population databases (gnomAD no frequency). This variant has not been reported in the literature in individuals affected with CAV3-related conditions. Algorithms developed to predict the effect of missense changes on protein structure and function (SIFT, PolyPhen-2, Align-GVGD) all suggest that this variant is likely to be disruptive. In summary, the available evidence is currently insufficient to determine the role of this variant in disease. Therefore, it has been classified as a Variant of Uncertain Significance.